The following is an entry in ClinVar:

ClinVar aggregate classification (germline): Uncertain significance (1 of 4 stars; one submission).

Conditions:
Galactosylceramide beta-galactosidase deficiency. Also called: Leukodystrophy, Globoid Cell; GALACTOCEREBROSIDASE DEFICIENCY; GALC DEFICIENCY; GLOBOID CELL LEUKOENCEPHALOPATHY; Krabbe Disease. Identifiers: Orphanet 487, MedGen C0023521, MONDO:0009499, OMIM 245200.

Allele frequency attached by ClinVar (database versions not stated): gnomAD 0.00001.

Submission:

Labcorp Genetics (formerly Invitae), Labcorp
Classification: Uncertain significance for Galactosylceramide beta-galactosidase deficiency. Last evaluated: 2022-08-19. Review status: criteria provided, single submitter. Criteria: Invitae Variant Classification Sherloc (09022015). Collection method: clinical testing. Allele origin: germline.
Comment: This sequence change falls in intron 11 of the GALC gene. It does not directly change the encoded amino acid sequence of the GALC protein. It affects a nucleotide within the consensus splice site. In summary, the available evidence is currently insufficient to determine the role of this variant in disease. Therefore, it has been classified as a Variant of Uncertain Significance. Variants that disrupt the consensus splice site are a relatively common cause of aberrant splicing (PMID: 17576681, 9536098). Algorithms developed to predict the effect of sequence changes on RNA splicing suggest that this variant is not likely to affect RNA splicing. This variant has not been reported in the literature in individuals affected with GALC-related conditions. This variant is present in population databases (no rsID available, gnomAD 0.007%).

Literature cited by the submitters: PubMed 17576681; PubMed 9536098.

NM_000153.4(GALC):c.1252-3C>T

Gene: GALC (galactosylceramidase; minus strand). Cytogenetic location: 14q31.3.
Variant type: single nucleotide variant.
Coding change: c.1252-3C>T on transcript NM_000153.4 (MANE Select); 3 bases into the intron before coding-DNA position 1252, C replaced by T.
Molecular consequence: intron variant.
Genome position (GRCh38, 1-based): chr14:87,949,934, G>A on the plus strand (C>T on the coding strand, the complement: GALC is on the minus strand). VCF-style: chr14-87949934-G-A. GRCh37 (hg19) VCF-style: chr14-88416278-G-A.
Other names: c.1174-3C>T (NM_001201402.2); c.1183-3C>T (NM_001201401.2).
Identifiers: ClinVar variation 2160547 (VCV002160547.4), dbSNP rs1321764672, ClinGen allele CA615271878.